The following is an entry in ClinVar:

NM_001144869.3(LIPT2):c.373C>T (p.Arg125Cys)

Gene: LIPT2 (lipoyl(octanoyl) transferase 2; minus strand). Cytogenetic location: 11q13.4.
Variant type: single nucleotide variant.
Coding change: c.373C>T on transcript NM_001144869.3 (MANE Select); coding-DNA position 373, C replaced by T.
Protein change: p.Arg125Cys; replaces arginine 125 with cysteine.
Molecular consequence: missense variant. On other transcripts: intron variant (1).
Genome position (GRCh38, 1-based): chr11:74,493,331, G>A on the plus strand (C>T on the coding strand, the complement: LIPT2 is on the minus strand). VCF-style: chr11-74493331-G-A. GRCh37 (hg19) VCF-style: chr11-74204376-G-A.
Other names: c.373C>T, p.Arg125Cys (NM_001329941.2); c.237+136C>T (NM_001329942.2); short protein forms R125C.
Identifiers: ClinVar variation 1985386 (VCV001985386.4), dbSNP rs750472167, ClinGen allele CA6184919.

ClinVar aggregate classification (germline): Uncertain significance (1 of 4 stars; one submission).

Allele frequency attached by ClinVar (database versions not stated): gnomAD 0.00001; gnomAD exomes 0.00002; ExAC 0.00023.
gnomAD v4.1: 25 of 1,481,494 alleles (0.0017%); highest among the groups gnomAD compares: South Asian, 0.031%; no homozygotes.

Submission:

Labcorp Genetics (formerly Invitae), Labcorp
Classification: Uncertain significance. Last evaluated: 2022-04-03. Review status: criteria provided, single submitter. Criteria: Invitae Variant Classification Sherloc (09022015). Collection method: clinical testing. Allele origin: germline.
Comment: This sequence change replaces arginine, which is basic and polar, with cysteine, which is neutral and slightly polar, at codon 125 of the LIPT2 protein (p.Arg125Cys). The frequency data for this variant in the population databases is considered unreliable, as metrics indicate poor data quality at this position in the gnomAD database. This variant has not been reported in the literature in individuals affected with LIPT2-related conditions. Algorithms developed to predict the effect of missense changes on protein structure and function are either unavailable or do not agree on the potential impact of this missense change (SIFT: "Not Available"; PolyPhen-2: "Probably Damaging"; Align-GVGD: "Not Available"). In summary, the available evidence is currently insufficient to determine the role of this variant in disease. Therefore, it has been classified as a Variant of Uncertain Significance.